The following is an entry in ClinVar:

ClinVar aggregate classification (germline): Uncertain significance. Review status: criteria provided, multiple submitters, no conflicts (2 of 4 stars). 4 submissions from 4 submitters: Uncertain significance (4). Last evaluated 2023-11-03.

Conditions:
Muscular dystrophy-dystroglycanopathy (congenital with brain and eye anomalies), type A, 7. Also called: WALKER-WARBURG SYNDROME OR MUSCLE-EYE-BRAIN DISEASE, ISPD-RELATED; Congenital muscular dystrophy-dystroglycanopathy with brain and eye anomalies, type A7. Identifiers: Orphanet 899, MedGen C3553330, MONDO:0013835, OMIM 614643.
Autosomal recessive limb-girdle muscular dystrophy type 2U. Also called: Muscular dystrophy-dystroglycanopathy (limb-girdle), type c, 7; MUSCULAR DYSTROPHY, LIMB-GIRDLE, TYPE 2U. Identifiers: Orphanet 352479, MedGen C5190987, MONDO:0014474, OMIM 616052.

Allele frequency attached by ClinVar (database versions not stated): ExAC 0.00001; gnomAD 0.00001; gnomAD exomes 0.00001; TOPMed 0.00001.
gnomAD v4.1: 14 of 1,609,966 alleles (0.00087%); highest among the groups gnomAD compares: Non-Finnish European, 0.0012%; no homozygotes.

Submissions (4):

GeneDx
Classification: Uncertain significance. Last evaluated: 2023-11-03. Review status: criteria provided, single submitter. Criteria: GeneDx Variant Classification Process June 2021. Collection method: clinical testing. Allele origin: germline. Affected: yes.
Comment: Not observed at significant frequency in large population cohorts (gnomAD); In silico analysis supports that this missense variant has a deleterious effect on protein structure/function; Has not been previously published as pathogenic or benign to our knowledge; This variant is associated with the following publications: (PMID: 26687144)

Ambry Genetics
Classification: Uncertain significance. Last evaluated: 2023-07-12. Review status: criteria provided, single submitter. Criteria: Ambry Variant Classification Scheme 2023. Collection method: clinical testing. Allele origin: germline.

Labcorp Genetics (formerly Invitae), Labcorp
Classification: Uncertain significance for Muscular dystrophy-dystroglycanopathy (congenital with brain and eye anomalies), type A, 7; Autosomal recessive limb-girdle muscular dystrophy type 2U. Last evaluated: 2021-05-07. Review status: criteria provided, single submitter. Criteria: Invitae Variant Classification Sherloc (09022015). Collection method: clinical testing. Allele origin: germline.
Comment: In summary, the available evidence is currently insufficient to determine the role of this variant in disease. Therefore, it has been classified as a Variant of Uncertain Significance. Algorithms developed to predict the effect of missense changes on protein structure and function (SIFT, PolyPhen-2, Align-GVGD) all suggest that this variant is likely to be disruptive, but these predictions have not been confirmed by published functional studies and their clinical significance is uncertain. This variant has not been reported in the literature in individuals with ISPD-related conditions. ClinVar contains an entry for this variant (Variation ID: 593707). This variant is present in population databases (rs778786691, ExAC 0.002%). This sequence change replaces glutamic acid with lysine at codon 239 of the ISPD protein (p.Glu239Lys). The glutamic acid residue is highly conserved and there is a small physicochemical difference between glutamic acid and lysine.

Eurofins Ntd Llc (ga)
Classification: Uncertain significance. Last evaluated: 2017-08-22. Review status: criteria provided, single submitter. Criteria: EGL Classification Definitions 2015. Collection method: clinical testing. Allele origin: germline. Observed: 1 variant allele, 1 heterozygote.

NM_001101426.4(CRPPA):c.715G>A (p.Glu239Lys)

Gene: CRPPA (CDP-L-ribitol pyrophosphorylase A; minus strand). Cytogenetic location: 7p21.2.
Variant type: single nucleotide variant.
Coding change: c.715G>A on transcript NM_001101426.4 (MANE Select); coding-DNA position 715, G replaced by A.
Protein change: p.Glu239Lys; replaces glutamic acid 239 with lysine.
Molecular consequence: missense variant. On other transcripts: intron variant (1).
Genome position (GRCh38, 1-based): chr7:16,308,597, C>T on the plus strand (G>A on the coding strand, the complement: CRPPA is on the minus strand). VCF-style: chr7-16308597-C-T. GRCh37 (hg19) VCF-style: chr7-16348222-C-T.
Other names: c.565G>A, p.Glu189Lys (NM_001101417.4); c.685-7131G>A (NM_001368197.1); c.715G>A (NM_001101426.3); short protein forms E239K, E189K.
Identifiers: ClinVar variation 593707 (VCV000593707.13), dbSNP rs778786691, ClinGen allele CA4169520.